The following is an entry in ClinVar:

NM_003041.4(SLC5A2):c.306G>A (p.Ala102=)

Gene: SLC5A2 (solute carrier family 5 member 2; plus strand). Cytogenetic location: 16p11.2.
Variant type: single nucleotide variant.
Coding change: c.306G>A on transcript NM_003041.4 (MANE Select); coding-DNA position 306, G replaced by A.
Protein change: p.Ala102=; no amino-acid change (alanine 102 retained).
Molecular consequence: synonymous variant. On other transcripts: non-coding transcript variant (1).
Genome position (GRCh38, 1-based): chr16:31,485,731, G>A. VCF-style: chr16-31485731-G-A. GRCh37 (hg19) VCF-style: chr16-31497052-G-A.
Identifiers: ClinVar variation 3051410 (VCV003051410.2), dbSNP rs200369658, ClinGen allele CA8030701.

ClinVar aggregate classification (germline): Likely benign (0 of 4 stars; one submission).

Conditions:
SLC5A2-related disorder. Also called: SLC5A2-related condition.

Allele frequency attached by ClinVar (database versions not stated): gnomAD 0.00003; gnomAD exomes 0.00007; TOPMed 0.00008; ESP Exome Variant Server 0.00015; 1000 Genomes Project 30x 0.00016; 1000 Genomes Project 0.00020; ExAC 0.00020.
gnomAD v4.1: 100 of 1,613,108 alleles (0.0062%); highest among the groups gnomAD compares: Admixed American, 0.1%; no homozygotes.

Submission:

PreventionGenetics, part of Exact Sciences
Classification: Likely benign for SLC5A2-related condition. Last evaluated: 2020-01-17. Review status: no assertion criteria provided. Collection method: clinical testing. Allele origin: germline.
Comment: This variant is classified as likely benign based on ACMG/AMP sequence variant interpretation guidelines (Richards et al. 2015 PMID: 25741868, with internal and published modifications).